The following is an entry in ClinVar:

ClinVar aggregate classification (germline): Uncertain significance (1 of 4 stars; one submission).

Conditions:
Hereditary cancer-predisposing syndrome. Also called: Neoplastic Syndromes, Hereditary; Tumor predisposition; Hereditary Cancer Syndrome; Hereditary neoplastic syndrome. Identifiers: Orphanet 140162, MedGen C0027672, MeSH D009386, MONDO:0015356.

Submission:

Ambry Genetics
Classification: Uncertain significance for Hereditary cancer-predisposing syndrome. Last evaluated: 2022-09-11. Review status: criteria provided, single submitter. Criteria: Ambry Variant Classification Scheme 2023. Collection method: clinical testing. Allele origin: germline.
Comment: The p.N984K variant (also known as c.2952T>G), located in coding exon 4 of the MSH6 gene, results from a T to G substitution at nucleotide position 2952. The asparagine at codon 984 is replaced by lysine, an amino acid with similar properties. This amino acid position is conserved. In addition, this alteration is predicted to be tolerated by in silico analysis. Since supporting evidence is limited at this time, the clinical significance of this alteration remains unclear.

NM_000179.3(MSH6):c.2952T>G (p.Asn984Lys)

Gene: MSH6 (mutS homolog 6; plus strand). Cytogenetic location: 2p16.3.
Variant type: single nucleotide variant.
Coding change: c.2952T>G on transcript NM_000179.3 (MANE Select); coding-DNA position 2952, T replaced by G.
Protein change: p.Asn984Lys; replaces asparagine 984 with lysine.
Molecular consequence: missense variant.
Genome position (GRCh38, 1-based): chr2:47,800,935, T>G. VCF-style: chr2-47800935-T-G. GRCh37 (hg19) VCF-style: chr2-48028074-T-G.
Other names: c.2562T>G, p.Asn854Lys (NM_001281492.2); c.2046T>G, p.Asn682Lys (NM_001281493.2, NM_001281494.2, NM_001406811.1 and 6 more transcripts); c.3048T>G, p.Asn1016Lys (NM_001406795.1, NM_001406802.1); c.2952T>G, p.Asn984Lys (NM_001406796.1, NM_001406798.1, NM_001406800.1 and 2 more transcripts); c.2655T>G, p.Asn885Lys (NM_001406797.1, NM_001406801.1, NM_001406805.1 and 10 more transcripts); c.2427T>G, p.Asn809Lys (NM_001406799.1, NM_001406806.1, NM_001406807.1); c.2874T>G, p.Asn958Lys (NM_001406804.1); c.2958T>G, p.Asn986Lys (NM_001406813.1); and 2 more; short protein forms N1016K, N854K, N299K, N928K, N984K, N809K, N885K, N986K.
Identifiers: ClinVar variation 1798079 (VCV001798079.2), dbSNP rs2104432677, ClinGen allele CA346756243.